The following is an entry in ClinVar:

NM_000548.5(TSC2):c.975+5G>C

Gene: TSC2 (TSC complex subunit 2; plus strand). Cytogenetic location: 16p13.3.
Variant type: single nucleotide variant.
Coding change: c.975+5G>C on transcript NM_000548.5 (MANE Select); 5 bases into the intron after coding-DNA position 975, G replaced by C.
Molecular consequence: intron variant.
Genome position (GRCh38, 1-based): chr16:2,058,878, G>C. VCF-style: chr16-2058878-G-C. GRCh37 (hg19) VCF-style: chr16-2108879-G-C.
Other names: c.975+5G>C (NM_001114382.3, NM_021055.3, NM_001370405.1 and 3 more transcripts); c.864+5G>C (NM_001318827.2); c.375+5G>C (NM_001318831.2); c.828+5G>C (NM_001318829.2); c.1008+5G>C (NM_001318832.2).
Identifiers: ClinVar variation 65140 (VCV000065140.8), dbSNP rs45458600, ClinGen allele CA023209.

ClinVar aggregate classification (germline): Uncertain significance. Review status: criteria provided, single submitter (1 of 4 stars). 2 submissions from 2 submitters: Uncertain significance (1). 1 of the submissions does not count toward it. Last evaluated 2020-10-30.

Conditions:
Tuberous sclerosis syndrome (TSC). Also called: Tuberous Sclerosis Complex; Tuberous sclerosis. Identifiers: Orphanet 805, MedGen C0041341, MONDO:0001734.
Tuberous sclerosis 2 (TSC2). Identifiers: Orphanet 805, MedGen C1860707, MONDO:0013199, OMIM 613254.

Submissions (2):

Labcorp Genetics (formerly Invitae), Labcorp
Classification: Uncertain significance for Tuberous sclerosis 2. Last evaluated: 2020-10-30. Review status: criteria provided, single submitter. Criteria: Invitae Variant Classification Sherloc (09022015). Collection method: clinical testing. Allele origin: germline.
Comment: In summary, the available evidence is currently insufficient to determine the role of this variant in disease. Therefore, it has been classified as a Variant of Uncertain Significance. Nucleotide substitutions within the consensus splice site are a relatively common cause of aberrant splicing (PMID: 17576681, 9536098). Algorithms developed to predict the effect of sequence changes on RNA splicing suggest that this variant is not likely to affect RNA splicing, but this prediction has not been confirmed by published transcriptional studies. This variant has been reported in individuals in the Leiden Open-source Variation Database (PMID: 21520333). ClinVar contains an entry for this variant (Variation ID: 65140). This variant is not present in population databases (ExAC no frequency). This sequence change falls in intron 10 of the TSC2 gene. It does not directly change the encoded amino acid sequence of the TSC2 protein. It affects a nucleotide within the consensus splice site of the intron.

Tuberous sclerosis database (TSC2)
No classification provided. Condition: TSC. Review status: no classification provided. Criteria: Tuberous Sclerosis Database Assertion Criteria 2015. Collection method: curation. Allele origin: germline. Affected: yes. Not counted in ClinVar's aggregate classification.

Literature cited by the submitters: PubMed 17576681 (cited by Labcorp Genetics (formerly Invitae), Labcorp); PubMed 9536098 (cited by Labcorp Genetics (formerly Invitae), Labcorp); PubMed 21520333 (cited by Labcorp Genetics (formerly Invitae), Labcorp).